The following is an entry in ClinVar:

ClinVar aggregate classification (germline): Uncertain significance (1 of 4 stars; one submission).

Conditions:
Inborn genetic diseases. Identifiers: MedGen C0950123, MeSH D030342.

Submission:

Ambry Genetics
Classification: Uncertain significance for Inborn genetic diseases. Last evaluated: 2025-09-17. Review status: criteria provided, single submitter. Criteria: Ambry Variant Classification Scheme 2023. Collection method: clinical testing. Allele origin: germline.
Comment: The p.D1042E variant (also known as c.3126C>G), located in coding exon 23 of the LTBP3 gene, results from a C to G substitution at nucleotide position 3126. The aspartic acid at codon 1042 is replaced by glutamic acid, an amino acid with highly similar properties. This amino acid position is conserved. In addition, the in silico prediction for this alteration is inconclusive. Based on the available evidence, the clinical significance of this variant remains unclear.

NM_001130144.3(LTBP3):c.3126C>G (p.Asp1042Glu)

Genes: LTBP3 (latent transforming growth factor beta binding protein 3; minus strand), LOC121832793 (Sharpr-MPRA regulatory region 4001; plus strand). Cytogenetic location: 11q13.1.
Variant type: single nucleotide variant.
Coding change: c.3126C>G on transcript NM_001130144.3 (MANE Select); coding-DNA position 3126, C replaced by G.
Protein change: p.Asp1042Glu; replaces aspartic acid 1042 with glutamic acid.
Molecular consequence: missense variant.
Genome position (GRCh38, 1-based): chr11:65,540,363, G>C on the plus strand (C>G on the coding strand, the complement: LTBP3 is on the minus strand). VCF-style: chr11-65540363-G-C. GRCh37 (hg19) VCF-style: chr11-65307834-G-C.
Other names: c.2775C>G, p.Asp925Glu (NM_001164266.1); c.3126C>G, p.Asp1042Glu (NM_021070.4); short protein forms D925E, D1042E.
Identifiers: ClinVar variation 4623989 (VCV004623989.1).